The following is an entry in ClinVar:

NM_000038.6(APC):c.4144C>G (p.Leu1382Val)

Gene: APC (APC regulator of Wnt signaling pathway; plus strand). Cytogenetic location: 5q22.2.
Variant type: single nucleotide variant.
Coding change: c.4144C>G on transcript NM_000038.6 (MANE Select); coding-DNA position 4144, C replaced by G.
Protein change: p.Leu1382Val; replaces leucine 1382 with valine.
Molecular consequence: missense variant.
Genome position (GRCh38, 1-based): chr5:112,839,738, C>G. VCF-style: chr5-112839738-C-G. GRCh37 (hg19) VCF-style: chr5-112175435-C-G.
Other names: c.4144C>G, p.Leu1382Val (NM_001127510.3, NM_001354895.2); c.4090C>G, p.Leu1364Val (NM_001127511.3); c.4198C>G, p.Leu1400Val (NM_001354896.2); c.4174C>G, p.Leu1392Val (NM_001354897.2); c.4069C>G, p.Leu1357Val (NM_001354898.2); c.4060C>G, p.Leu1354Val (NM_001354899.2); c.4021C>G, p.Leu1341Val (NM_001354900.2); c.3967C>G, p.Leu1323Val (NM_001354901.2); and 5 more; short protein forms L1099V, L1222V, L1291V, L1323V, L1400V, L1281V, L1357V, L1256V.
Identifiers: ClinVar variation 1434326 (VCV001434326.6), dbSNP rs1420195332, ClinGen allele CA16030407.

ClinVar aggregate classification (germline): Uncertain significance (1 of 4 stars; one submission).

Conditions:
Familial adenomatous polyposis 1 (FAP1). Also called: POLYPOSIS, ADENOMATOUS INTESTINAL; FAMILIAL ADENOMATOUS POLYPOSIS 1, ATTENUATED. Identifiers: MedGen C2713442, MONDO:0021056, OMIM 175100. Disease mechanism: loss of function.

Submission:

Labcorp Genetics (formerly Invitae), Labcorp
Classification: Uncertain significance for Familial adenomatous polyposis 1. Last evaluated: 2024-09-27. Review status: criteria provided, single submitter. Criteria: Invitae Variant Classification Sherloc (09022015). Collection method: clinical testing. Allele origin: germline.
Comment: This sequence change replaces leucine, which is neutral and non-polar, with valine, which is neutral and non-polar, at codon 1382 of the APC protein (p.Leu1382Val). This variant is not present in population databases (gnomAD no frequency). This variant has not been reported in the literature in individuals affected with APC-related conditions. ClinVar contains an entry for this variant (Variation ID: 1434326). Invitae Evidence Modeling of protein sequence and biophysical properties (such as structural, functional, and spatial information, amino acid conservation, physicochemical variation, residue mobility, and thermodynamic stability) indicates that this missense variant is not expected to disrupt APC protein function with a negative predictive value of 95%. In summary, the available evidence is currently insufficient to determine the role of this variant in disease. Therefore, it has been classified as a Variant of Uncertain Significance.